The following is an entry in ClinVar:

NM_006517.5(SLC16A2):c.1124G>A (p.Gly375Asp)

Gene: SLC16A2 (solute carrier family 16 member 2; plus strand). Cytogenetic location: Xq13.2.
Variant type: single nucleotide variant.
Coding change: c.1124G>A on transcript NM_006517.5 (MANE Select); coding-DNA position 1124, G replaced by A.
Protein change: p.Gly375Asp; replaces glycine 375 with aspartic acid.
Molecular consequence: missense variant.
Genome position (GRCh38, 1-based): chrX:74,525,847, G>A. VCF-style: chrX-74525847-G-A. GRCh37 (hg19) VCF-style: chrX-73745682-G-A.
Other names: short protein forms G375D.
Identifiers: ClinVar variation 4797235 (VCV004797235.1).

ClinVar aggregate classification (germline): Uncertain significance (1 of 4 stars; one submission).

Conditions:
Spastic paraplegia. Identifiers: MedGen C0037772, HP:0001258.

Submission:

Labcorp Genetics (formerly Invitae), Labcorp
Classification: Uncertain significance for Spastic paraplegia. Last evaluated: 2025-07-30. Review status: criteria provided, single submitter. Criteria: Invitae Variant Classification Sherloc (09022015). Collection method: clinical testing. Allele origin: germline.
Comment: This sequence change replaces glycine, which is neutral and non-polar, with aspartic acid, which is acidic and polar, at codon 375 of the SLC16A2 protein (p.Gly375Asp). This variant is not present in population databases (gnomAD no frequency). This variant has not been reported in the literature in individuals affected with SLC16A2-related conditions. Invitae Evidence Modeling of protein sequence and biophysical properties (such as structural, functional, and spatial information, amino acid conservation, physicochemical variation, residue mobility, and thermodynamic stability) indicates that this missense variant is expected to disrupt SLC16A2 protein function with a positive predictive value of 95%. In summary, the available evidence is currently insufficient to determine the role of this variant in disease. Therefore, it has been classified as a Variant of Uncertain Significance.